The following is an entry in ClinVar:

ClinVar aggregate classification (germline): Uncertain significance (1 of 4 stars; one submission).

Conditions:
Cardiovascular phenotype. Identifiers: MedGen CN230736.

gnomAD v4.1: 10 of 1,614,072 alleles (0.00062%); highest among the groups gnomAD compares: Admixed American, 0.0017%; no homozygotes.

Submission:

Ambry Genetics
Classification: Uncertain significance for Cardiovascular phenotype. Last evaluated: 2026-04-14. Review status: criteria provided, single submitter. Criteria: Ambry Variant Classification Scheme 2023. Collection method: clinical testing. Allele origin: germline.
Comment: The p.E1885K variant (also known as c.5653G>A), located in coding exon 27 of the SCN10A gene, results from a G to A substitution at nucleotide position 5653. The glutamic acid at codon 1885 is replaced by lysine, an amino acid with similar properties. This amino acid position is not well conserved in available vertebrate species. In addition, this alteration is predicted to be tolerated by in silico analysis. The evidence for this gene-disease relationship is limited; therefore, the clinical significance of this variant is unclear.

NM_006514.4(SCN10A):c.5653G>A (p.Glu1885Lys)

Gene: SCN10A (sodium voltage-gated channel alpha subunit 10; minus strand). Cytogenetic location: 3p22.2.
Variant type: single nucleotide variant.
Coding change: c.5653G>A on transcript NM_006514.4 (MANE Select); coding-DNA position 5653, G replaced by A.
Protein change: p.Glu1885Lys; replaces glutamic acid 1885 with lysine.
Molecular consequence: missense variant.
Genome position (GRCh38, 1-based): chr3:38,697,567, C>T on the plus strand (G>A on the coding strand, the complement: SCN10A is on the minus strand). VCF-style: chr3-38697567-C-T. GRCh37 (hg19) VCF-style: chr3-38739058-C-T.
Other names: c.5650G>A, p.Glu1884Lys (NM_001293306.2); c.5359G>A, p.Glu1787Lys (NM_001293307.2); short protein forms E1787K, E1884K, E1885K.
Identifiers: ClinVar variation 4864094 (VCV004864094.1).